The following is an entry in ClinVar:

NM_005045.4(RELN):c.5467G>A (p.Ala1823Thr)

Gene: RELN (reelin; minus strand). Cytogenetic location: 7q22.1.
Variant type: single nucleotide variant.
Coding change: c.5467G>A on transcript NM_005045.4 (MANE Select); coding-DNA position 5467, G replaced by A.
Protein change: p.Ala1823Thr; replaces alanine 1823 with threonine.
Molecular consequence: missense variant.
Genome position (GRCh38, 1-based): chr7:103,561,594, C>T on the plus strand (G>A on the coding strand, the complement: RELN is on the minus strand). VCF-style: chr7-103561594-C-T. GRCh37 (hg19) VCF-style: chr7-103202041-C-T.
Other names: c.5467G>A, p.Ala1823Thr (NM_173054.3); short protein forms A1823T.
Identifiers: ClinVar variation 3376783 (VCV003376783.1).

ClinVar aggregate classification (germline): Likely benign (1 of 4 stars; one submission).

Conditions:
Neurodevelopmental disorder. Identifiers: MedGen C1535926, MeSH D065886, MONDO:0700092.

gnomAD v4.1: 1 of 1,613,850 alleles (0.000062%); highest among the groups gnomAD compares: Non-Finnish European, 0.000085%; no homozygotes.

Submission:

Victorian Clinical Genetics Services, Murdoch Childrens Research Institute
Classification: Likely benign for Neurodevelopmental disorder. Last evaluated: 2024-10-08. Review status: criteria provided, single submitter. Criteria: ACMG Guidelines, 2015. Collection method: clinical testing. Allele origin: germline. Inheritance: Autosomal dominant inheritance. Affected: yes.
Comment: Based on the classification scheme VCGS_Germline_v1.3.4, this variant is classified as Likely benign. Following criteria are met: 0102 - Loss of function is a known mechanism of disease in this gene and is associated with autosomal recessive lissencephaly 2 (Norman-Roberts type) (MIM#257320) and autosomal dominant familial temporal lobe epilepsy, 7 (ADTLE) (MIM#616436, GeneReviews). In addition, dominant negative has been suggested for autosomal dominant neurodevelopmental disorder (MONDO#0700092), RELN-related. (I) 0108 - This gene is associated with both recessive and dominant disease. (I) 0112 - The condition associated with this gene has incomplete penetrance. Penetrance is low for autosomal dominant familial temporal lobe epilepsy, 7 (ADTLE) (GeneReviews). (I) 0115 - Variants in this gene are known to have variable expressivity. Intrafamilial variability has been reported for neurodevelopmental disorder, RELN-related (PMID: 35769015). (I) 0200 - Variant is predicted to result in a missense amino acid change from alanine to threonine. (I) 0251 - This variant is heterozygous. (I) 0301 - Variant is absent from gnomAD (both v2 and v3). (SP) 0503 - Missense variant consistently predicted to be tolerated by multiple in silico tools or not conserved in placental mammals with a minor amino acid change. (SB) 0604 - Variant is not located in an established domain, motif, hotspot or informative constraint region. (I) 0710 - Another missense variant comparable to the one identified in this case has inconclusive previous evidence for pathogenicity. This alternative change (p.(Ala1823Glu)) has been reported as a VUS (ClinVar). (I) 0807 - This variant has no previous evidence of pathogenicity. (I) 0904 - Non-segregation of this variant with the phenotype under investigation has been clearly demonstrated. (SB) 1007 - No published functional evidence has been identified for this variant. (I) Legend: (SP) - Supporting pathogenic, (I) - Information, (SB) - Supporting benign

Literature cited by the submitters: PubMed 35769015.